The following is an entry in ClinVar:

ClinVar aggregate classification (germline): Uncertain significance (1 of 4 stars; one submission).

Submission:

Ambry Genetics
Classification: Uncertain significance. Last evaluated: 2026-01-24. Review status: criteria provided, single submitter. Criteria: Ambry Variant Classification Scheme 2023. Collection method: clinical testing. Allele origin: germline.
Comment: The p.A1769T variant (also known as c.5305G>A), located in coding exon 22 of the WNK2 gene, results from a G to A substitution at nucleotide position 5305. The alanine at codon 1769 is replaced by threonine, an amino acid with similar properties. This amino acid position is conserved. In addition, the in silico prediction for this alteration is inconclusive. Based on the available evidence, the clinical significance of this variant remains unclear.

NM_006648.4(WNK2):c.5305G>A (p.Ala1769Thr)

Gene: WNK2 (WNK lysine deficient protein kinase 2; plus strand). Cytogenetic location: 9q22.31.
Variant type: single nucleotide variant.
Coding change: c.5305G>A on transcript NM_006648.4 (MANE Select); coding-DNA position 5305, G replaced by A.
Protein change: p.Ala1769Thr; replaces alanine 1769 with threonine.
Molecular consequence: missense variant.
Genome position (GRCh38, 1-based): chr9:93,292,770, G>A. VCF-style: chr9-93292770-G-A. GRCh37 (hg19) VCF-style: chr9-96055052-G-A.
Other names: c.5416G>A, p.Ala1806Thr (NM_001282394.3); short protein forms A1806T, A1769T.
Identifiers: ClinVar variation 4844879 (VCV004844879.1).
Genomic context (GRCh38, chr9:93,292,770, plus strand): 5'-TCGGTGGTCAGCACTCAGGACGAGTGGACCCTGGCCTCCCCCCACAGCCTGAGATACTCT[G>A]CCCCACCCGACGTCTACCTGGACGAGGCCCCCTCCAGCCCCGACGTGAAGCTGGCAGTGC-3'
Protein context (NP_006639.3, residues 1759-1779): LASPHSLRYS[Ala1769Thr]PPDVYLDEAP